The following is an entry in ClinVar:

NM_000038.6(APC):c.4928G>A (p.Cys1643Tyr)

Gene: APC (APC regulator of Wnt signaling pathway; plus strand). Cytogenetic location: 5q22.2.
Variant type: single nucleotide variant.
Coding change: c.4928G>A on transcript NM_000038.6 (MANE Select); coding-DNA position 4928, G replaced by A.
Protein change: p.Cys1643Tyr; replaces cysteine 1643 with tyrosine.
Molecular consequence: missense variant.
Genome position (GRCh38, 1-based): chr5:112,840,522, G>A. VCF-style: chr5-112840522-G-A. GRCh37 (hg19) VCF-style: chr5-112176219-G-A.
Other names: c.4928G>A, p.Cys1643Tyr (NM_001127510.3, NM_001354895.2); c.4874G>A, p.Cys1625Tyr (NM_001127511.3); c.4982G>A, p.Cys1661Tyr (NM_001354896.2); c.4958G>A, p.Cys1653Tyr (NM_001354897.2); c.4853G>A, p.Cys1618Tyr (NM_001354898.2); c.4844G>A, p.Cys1615Tyr (NM_001354899.2); c.4805G>A, p.Cys1602Tyr (NM_001354900.2); c.4751G>A, p.Cys1584Tyr (NM_001354901.2); and 5 more; short protein forms C1625Y, C1643Y, C1517Y, C1615Y, C1360Y, C1542Y, C1552Y, C1584Y.
Identifiers: ClinVar variation 216167 (VCV000216167.16), dbSNP rs748715887, ClinGen allele CA338249.
Genomic context (GRCh38, chr5:112,840,522, plus strand): 5'-GGTTGCAACCCCAAAAGCATGTTAGTTTTACACCGGGGGATGATATGCCACGGGTGTATT[G>A]TGTTGAAGGGACACCTATAAACTTTTCCACAGCTACATCTCTAAGTGATCTAACAATCGA-3'
Protein context (NP_000029.2, residues 1633-1653): TPGDDMPRVY[Cys1643Tyr]VEGTPINFST

ClinVar aggregate classification (germline): Uncertain significance. Review status: criteria provided, multiple submitters, no conflicts (2 of 4 stars). 3 submissions from 3 submitters: Uncertain significance (3). Last evaluated 2025-11-24.

Conditions:
Hereditary cancer-predisposing syndrome. Also called: Hereditary Cancer Syndrome; Hereditary neoplastic syndrome; Neoplastic Syndromes, Hereditary; Tumor predisposition. Identifiers: Orphanet 140162, MedGen C0027672, MeSH D009386, MONDO:0015356.
Familial adenomatous polyposis 1 (FAP1). Also called: FAMILIAL ADENOMATOUS POLYPOSIS 1, ATTENUATED; POLYPOSIS, ADENOMATOUS INTESTINAL. Identifiers: MedGen C2713442, MONDO:0021056, OMIM 175100. Disease mechanism: loss of function.

Submissions (3):

Labcorp Genetics (formerly Invitae), Labcorp
Classification: Uncertain significance for Familial adenomatous polyposis 1. Last evaluated: 2025-11-24. Review status: criteria provided, single submitter. Criteria: Invitae Variant Classification Sherloc (09022015). Collection method: clinical testing. Allele origin: germline.
Comment: This sequence change replaces cysteine, which is neutral and slightly polar, with tyrosine, which is neutral and polar, at codon 1643 of the APC protein (p.Cys1643Tyr). This variant is not present in population databases (gnomAD no frequency). This missense change has been observed in individual(s) with breast cancer (PMID: 31273614). ClinVar contains an entry for this variant (Variation ID: 216167). Invitae Evidence Modeling of protein sequence and biophysical properties (such as structural, functional, and spatial information, amino acid conservation, physicochemical variation, residue mobility, and thermodynamic stability) indicates that this missense variant is not expected to disrupt APC protein function with a negative predictive value of 95%. In summary, the available evidence is currently insufficient to determine the role of this variant in disease. Therefore, it has been classified as a Variant of Uncertain Significance.

Ambry Genetics
Classification: Uncertain significance for Hereditary cancer-predisposing syndrome. Last evaluated: 2024-12-16. Review status: criteria provided, single submitter. Criteria: Ambry Variant Classification Scheme 2023. Collection method: clinical testing. Allele origin: germline.
Comment: The p.C1643Y variant (also known as c.4928G>A), located in coding exon 15 of the APC gene, results from a G to A substitution at nucleotide position 4928. The cysteine at codon 1643 is replaced by tyrosine, an amino acid with highly dissimilar properties. This amino acid position is highly conserved in available vertebrate species. In addition, in silico predictors for this gene do not accurately predict pathogenicity. Missense alterations in APC are not a common cause of disease (Spier I et al. Genet Med. 2024 Feb;26(2):100992). Based on the available evidence, the clinical significance of this variant remains unclear.

GeneDx
Classification: Uncertain significance. Last evaluated: 2022-10-20. Review status: criteria provided, single submitter. Criteria: GeneDx Variant Classification Process June 2021. Collection method: clinical testing. Allele origin: germline. Affected: yes.
Comment: Not observed at significant frequency in large population cohorts (gnomAD); In silico analysis supports that this missense variant has a deleterious effect on protein structure/function; Has not been previously published as pathogenic or benign to our knowledge; This variant is associated with the following publications: (PMID: 18199528)

Literature cited by the submitters: PubMed 31273614 (cited by Labcorp Genetics (formerly Invitae), Labcorp).